The following is an entry in ClinVar:

NM_152296.5(ATP1A3):c.1807G>A (p.Val603Ile)

Gene: ATP1A3 (ATPase Na+/K+ transporting subunit alpha 3; minus strand). Cytogenetic location: 19q13.2.
Variant type: single nucleotide variant.
Coding change: c.1807G>A on transcript NM_152296.5 (MANE Select); coding-DNA position 1807, G replaced by A.
Protein change: p.Val603Ile; replaces valine 603 with isoleucine.
Molecular consequence: missense variant.
Genome position (GRCh38, 1-based): chr19:41,978,072, C>T on the plus strand (G>A on the coding strand, the complement: ATP1A3 is on the minus strand). VCF-style: chr19-41978072-C-T. GRCh37 (hg19) VCF-style: chr19-42482224-C-T.
Other names: c.1840G>A, p.Val614Ile (NM_001256213.2); c.1846G>A, p.Val616Ile (NM_001256214.2); short protein forms V603I, V614I, V616I.
Identifiers: ClinVar variation 1712113 (VCV001712113.2), dbSNP rs1555862017, ClinGen allele CA406045329.

ClinVar aggregate classification (germline): Uncertain significance (1 of 4 stars; one submission).

Allele frequency attached by ClinVar (database versions not stated): gnomAD exomes below 0.00001.
gnomAD v4.1: 2 of 1,614,230 alleles (0.00012%); highest among the groups gnomAD compares: South Asian, 0.0011%; no homozygotes.

Submission:

GeneDx
Classification: Uncertain significance. Last evaluated: 2022-04-18. Review status: criteria provided, single submitter. Criteria: GeneDx Variant Classification Process June 2021. Collection method: clinical testing. Allele origin: germline. Affected: yes.
Comment: Not observed at significant frequency in large population cohorts (gnomAD); In silico analysis supports that this missense variant does not alter protein structure/function; Has not been previously published as pathogenic or benign to our knowledge